The following is an entry in ClinVar:

ClinVar aggregate classification (germline): Uncertain significance (1 of 4 stars; one submission).

Conditions:
Dilated cardiomyopathy 1DD (CMD1DD). Identifiers: Orphanet 154, MedGen C2750995, MONDO:0013168, OMIM 613172.

Submission:

Labcorp Genetics (formerly Invitae), Labcorp
Classification: Uncertain significance for Dilated cardiomyopathy 1DD. Last evaluated: 2023-02-18. Review status: criteria provided, single submitter. Criteria: Invitae Variant Classification Sherloc (09022015). Collection method: clinical testing. Allele origin: germline.
Comment: This sequence change replaces lysine, which is basic and polar, with arginine, which is basic and polar, at codon 434 of the RBM20 protein (p.Lys434Arg). In summary, the available evidence is currently insufficient to determine the role of this variant in disease. Therefore, it has been classified as a Variant of Uncertain Significance. Advanced modeling of protein sequence and biophysical properties (such as structural, functional, and spatial information, amino acid conservation, physicochemical variation, residue mobility, and thermodynamic stability) performed at Invitae indicates that this missense variant is not expected to disrupt RBM20 protein function. This variant has not been reported in the literature in individuals affected with RBM20-related conditions. This variant is not present in population databases (gnomAD no frequency).

NM_001134363.3(RBM20):c.1301A>G (p.Lys434Arg)

Gene: RBM20 (RNA binding motif protein 20; plus strand). Cytogenetic location: 10q25.2.
Variant type: single nucleotide variant.
Coding change: c.1301A>G on transcript NM_001134363.3 (MANE Select); coding-DNA position 1301, A replaced by G.
Protein change: p.Lys434Arg; replaces lysine 434 with arginine.
Molecular consequence: missense variant.
Genome position (GRCh38, 1-based): chr10:110,783,391, A>G. VCF-style: chr10-110783391-A-G. GRCh37 (hg19) VCF-style: chr10-112543149-A-G.
Other names: short protein forms K434R.
Identifiers: ClinVar variation 2838745 (VCV002838745.3), dbSNP rs2493417730, ClinGen allele CA378387286.